The following is an entry in ClinVar:

NM_000329.3(RPE65):c.371G>A (p.Arg124Gln)

Gene: RPE65 (retinoid isomerohydrolase RPE65; minus strand). Cytogenetic location: 1p31.3.
Variant type: single nucleotide variant.
Coding change: c.371G>A on transcript NM_000329.3 (MANE Select); coding-DNA position 371, G replaced by A.
Protein change: p.Arg124Gln; replaces arginine 124 with glutamine.
Molecular consequence: missense variant.
Genome position (GRCh38, 1-based): chr1:68,444,655, C>T on the plus strand (G>A on the coding strand, the complement: RPE65 is on the minus strand). VCF-style: chr1-68444655-C-T. GRCh37 (hg19) VCF-style: chr1-68910338-C-T.
Other names: c.263G>A, p.Arg88Gln (NM_001406853.1); c.95G>A, p.Arg32Gln (NM_001406856.1, NM_001406857.1); c.371G>A, p.Arg124Gln (NM_001406859.1, NM_001406860.1); short protein forms R124Q, R32Q, R88Q.
Identifiers: ClinVar variation 2161197 (VCV002161197.1), dbSNP rs748546353, ClinGen allele CA902520.

ClinVar aggregate classification (germline): Uncertain significance (1 of 4 stars; one submission).

Conditions:
Leber congenital amaurosis 2 (LCA2). Also called: Autosomal Recessive RPE65-Related Retinal Degeneration; AMAUROSIS CONGENITA OF LEBER II. Identifiers: Orphanet 65, MedGen C1859844, MONDO:0008765, OMIM 204100. Disease mechanism: loss of function.
Retinitis pigmentosa 20 (RP20). Identifiers: Orphanet 791, MedGen C3151086, MONDO:0013425, OMIM 613794.

Allele frequency attached by ClinVar (database versions not stated): gnomAD exomes below 0.00001; ExAC 0.00001; gnomAD 0.00001.
gnomAD v4.1: 8 of 1,613,788 alleles (0.0005%); highest among the groups gnomAD compares: African/African-American, 0.0053%; no homozygotes.

Submission:

Labcorp Genetics (formerly Invitae), Labcorp
Classification: Uncertain significance for Leber congenital amaurosis 2; Retinitis pigmentosa 20. Last evaluated: 2022-07-28. Review status: criteria provided, single submitter. Criteria: Invitae Variant Classification Sherloc (09022015). Collection method: clinical testing. Allele origin: germline.
Comment: This sequence change replaces arginine, which is basic and polar, with glutamine, which is neutral and polar, at codon 124 of the RPE65 protein (p.Arg124Gln). This variant is present in population databases (rs748546353, gnomAD 0.007%). This variant has not been reported in the literature in individuals affected with RPE65-related conditions. Algorithms developed to predict the effect of missense changes on protein structure and function (SIFT, PolyPhen-2, Align-GVGD) all suggest that this variant is likely to be tolerated. In summary, the available evidence is currently insufficient to determine the role of this variant in disease. Therefore, it has been classified as a Variant of Uncertain Significance.